The following is an entry in ClinVar:

NM_002225.5(IVD):c.588C>G (p.Ile196Met)

Gene: IVD (isovaleryl-CoA dehydrogenase; plus strand). Cytogenetic location: 15q15.1.
Variant type: single nucleotide variant.
Coding change: c.588C>G on transcript NM_002225.5 (MANE Select); coding-DNA position 588, C replaced by G.
Protein change: p.Ile196Met; replaces isoleucine 196 with methionine.
Molecular consequence: missense variant. On other transcripts: non-coding transcript variant (1).
Genome position (GRCh38, 1-based): chr15:40,411,592, C>G. VCF-style: chr15-40411592-C-G. GRCh37 (hg19) VCF-style: chr15-40703791-C-G.
Other names: c.498C>G, p.Ile166Met (NM_001159508.3); c.540C>G, p.Ile180Met (NM_001354597.3); c.588C>G, p.Ile196Met (NM_001354598.3, NM_001354601.3); c.675C>G, p.Ile225Met (NM_001354599.3, NM_001354600.3); short protein forms I166M, I180M, I196M, I225M.
Identifiers: ClinVar variation 3768313 (VCV003768313.1).
Genomic context (GRCh38, chr15:40,411,592, plus strand): 5'-AATAGCCAACATCCTGCCCTTAGGAAATCACTACATCCTGAATGGCAACAAGTTCTGGAT[C>G]ACTAATGGCCCTGATGCTGACGTCCTGATTGTCTATGCCAAGACAGATCTGGCTGCTGTG-3'
Protein context (NP_002216.3, residues 186-206): HYILNGNKFW[Ile196Met]TNGPDADVLI

ClinVar aggregate classification (germline): Uncertain significance (1 of 4 stars; one submission).

Submission:

Women's Health and Genetics/Laboratory Corporation of America, LabCorp
Classification: Uncertain significance. Last evaluated: 2024-12-03. Review status: criteria provided, single submitter. Criteria: LabCorp Variant Classification Summary - May 2015. Collection method: clinical testing. Allele origin: germline.
Comment: Variant summary: IVD c.588C>G (p.Ile196Met) results in a conservative amino acid change located in the Acyl-CoA dehydrogenase, middle domain (IPR006091) of the encoded protein sequence. Four of five in-silico tools predict a damaging effect of the variant on protein function. The variant was absent in 251484 control chromosomes. The available data on variant occurrences in the general population are insufficient to allow any conclusion about variant significance. c.588C>G has been reported in the literature in a compound heterozygous individual affected with Isovaleryl-CoA Dehydrogenase Deficiency (Bei_2013). These data do not allow any conclusion about variant significance. To our knowledge, no experimental evidence demonstrating an impact on protein function has been reported. The following publication have been ascertained in the context of this evaluation (PMID: 23587913). No submitters have cited clinical-significance assessments for this variant to ClinVar. Based on the evidence outlined above, the variant was classified as uncertain significance.

Literature cited by the submitters: PubMed 23587913.